The following is an entry in ClinVar:

ClinVar aggregate classification (germline): Uncertain significance (1 of 4 stars; one submission).

Allele frequency attached by ClinVar (database versions not stated): TOPMed below 0.00001; gnomAD exomes 0.00001.

Submission:

GeneDx
Classification: Uncertain significance. Last evaluated: 2019-06-16. Review status: criteria provided, single submitter. Criteria: GeneDx Variant Classification Process June 2021. Collection method: clinical testing. Allele origin: germline. Affected: yes.
Comment: Not observed in large population cohorts (Lek et al., 2016); In silico analysis, which includes protein predictors and evolutionary conservation, supports that this variant does not alter protein structure/function; Has not been previously published as pathogenic or benign to our knowledge; Variants in candidate genes are classified as variants of uncertain significance in accordance with ACMG guidelines (Richards et al., 2015)

NM_004218.4(RAB11B):c.562G>A (p.Asp188Asn)

Gene: RAB11B (RAB11B, member RAS oncogene family; plus strand). Cytogenetic location: 19p13.2.
Variant type: single nucleotide variant.
Coding change: c.562G>A on transcript NM_004218.4 (MANE Select); coding-DNA position 562, G replaced by A.
Protein change: p.Asp188Asn; replaces aspartic acid 188 with asparagine.
Molecular consequence: missense variant.
Genome position (GRCh38, 1-based): chr19:8,403,463, G>A. VCF-style: chr19-8403463-G-A. GRCh37 (hg19) VCF-style: chr19-8468347-G-A.
Other names: short protein forms D188N.
Identifiers: ClinVar variation 1306259 (VCV001306259.2), dbSNP rs1971454297, ClinGen allele CA403716598.